The following is an entry in ClinVar:

ClinVar aggregate classification (germline): Uncertain significance (1 of 4 stars; one submission).

Conditions:
Primary ciliary dyskinesia. Also called: Ciliary dyskinesia. Identifiers: Orphanet 244, MedGen C0008780, MONDO:0016575, HP:0012265.

Allele frequency attached by ClinVar (database versions not stated): ExAC 0.00001.

Submission:

Ambry Genetics
Classification: Uncertain significance for Primary ciliary dyskinesia. Last evaluated: 2021-08-22. Review status: criteria provided, single submitter. Criteria: Ambry Variant Classification Scheme 2023. Collection method: clinical testing. Allele origin: germline.
Comment: The p.S591L variant (also known as c.1772C>T), located in coding exon 1 of the DNAAF2 gene, results from a C to T substitution at nucleotide position 1772. The serine at codon 591 is replaced by leucine, an amino acid with dissimilar properties. This amino acid position is conserved. In addition, this alteration is predicted to be tolerated by in silico analysis. Since supporting evidence is limited at this time, the clinical significance of this alteration remains unclear.

NM_018139.3(DNAAF2):c.1772C>T (p.Ser591Leu)

Gene: DNAAF2 (dynein axonemal assembly factor 2; minus strand). Cytogenetic location: 14q21.3.
Variant type: single nucleotide variant.
Coding change: c.1772C>T on transcript NM_018139.3 (MANE Select); coding-DNA position 1772, C replaced by T.
Protein change: p.Ser591Leu; replaces serine 591 with leucine.
Molecular consequence: missense variant. On other transcripts: intron variant (1).
Genome position (GRCh38, 1-based): chr14:49,633,378, G>A on the plus strand (C>T on the coding strand, the complement: DNAAF2 is on the minus strand). VCF-style: chr14-49633378-G-A. GRCh37 (hg19) VCF-style: chr14-50100096-G-A.
Other names: c.1772C>T, p.Ser591Leu (NM_001083908.2); c.-205+105C>T (NM_001378453.1); short protein forms S591L.
Identifiers: ClinVar variation 1779820 (VCV001779820.2), dbSNP rs746751400, ClinGen allele CA7172831.
Genomic context (GRCh38, chr14:49,633,378, plus strand): 5'-CACTCTCTCCAATGTCCATGGCTCTCTGGAGATTTTGCCAGTTCTATCACTGCATTGTTT[G>A]AAGAAATGCTAATCACAGGTTCTGTGGTACTCAATTTATTCTCTGGAGCAAATTGCAAAA-3'
Protein context (NP_060609.2, residues 581-601): STTEPVISIS[Ser591Leu]NNAVIELAKS